The following is an entry in ClinVar:

ClinVar aggregate classification (germline): Likely benign. Review status: criteria provided, single submitter (1 of 4 stars). 2 submissions from 2 submitters: Likely benign (1). 1 of the submissions does not count toward it. Last evaluated 2024-09-02.

Conditions:
VPS13C-related disorder. Also called: VPS13C-related condition.

Allele frequency attached by ClinVar (database versions not stated): ESP Exome Variant Server 0.00015; 1000 Genomes Project 0.00020; ExAC 0.00020; gnomAD exomes 0.00023 and 0.00033; gnomAD 0.00024 and 0.00025; TOPMed 0.00029; 1000 Genomes Project 30x 0.00031.
gnomAD v4.1: 508 of 1,592,676 alleles (0.032%); highest among the groups gnomAD compares: Admixed American, 0.071%; 1 homozygote.

Submissions (2):

Labcorp Genetics (formerly Invitae), Labcorp
Classification: Likely benign. Last evaluated: 2024-09-02. Review status: criteria provided, single submitter. Criteria: Invitae Variant Classification Sherloc (09022015). Collection method: clinical testing. Allele origin: germline.

PreventionGenetics, part of Exact Sciences
Classification: Likely benign for VPS13C-related condition. Last evaluated: 2019-06-07. Review status: no assertion criteria provided. Collection method: clinical testing. Allele origin: germline. Not counted in ClinVar's aggregate classification.
Comment: This variant is classified as likely benign based on ACMG/AMP sequence variant interpretation guidelines (Richards et al. 2015 PMID: 25741868, with internal and published modifications).

NM_020821.3(VPS13C):c.1291-9T>A

Gene: VPS13C (vacuolar protein sorting 13 homolog C; minus strand). Cytogenetic location: 15q22.2.
Variant type: single nucleotide variant.
Coding change: c.1291-9T>A on transcript NM_020821.3 (MANE Select); 9 bases into the intron before coding-DNA position 1291, T replaced by A.
Molecular consequence: intron variant.
Genome position (GRCh38, 1-based): chr15:62,000,635, A>T on the plus strand (T>A on the coding strand, the complement: VPS13C is on the minus strand). VCF-style: chr15-62000635-A-T. GRCh37 (hg19) VCF-style: chr15-62292834-A-T.
Other names: c.1162-9T>A (NM_017684.5, NM_018080.4); c.1291-9T>A (NM_001018088.3, NM_020821.2).
Identifiers: ClinVar variation 1674055 (VCV001674055.10), dbSNP rs374397652, ClinGen allele CA7597121.